The following is an entry in ClinVar:

NM_001386135.1(AFF3):c.3414C>T (p.Asn1138=)

Gene: AFF3 (ALF transcription elongation factor 3; minus strand). Cytogenetic location: 2q11.2.
Variant type: single nucleotide variant.
Coding change: c.3414C>T on transcript NM_001386135.1 (MANE Select); coding-DNA position 3414, C replaced by T.
Protein change: p.Asn1138=; no amino-acid change (asparagine 1138 retained).
Molecular consequence: synonymous variant.
Genome position (GRCh38, 1-based): chr2:99,554,456, G>A on the plus strand (C>T on the coding strand, the complement: AFF3 is on the minus strand). VCF-style: chr2-99554456-G-A. GRCh37 (hg19) VCF-style: chr2-100170918-G-A.
Other names: c.3489C>T, p.Asn1163= (NM_001025108.2); c.3414C>T, p.Asn1138= (NM_002285.3).
Identifiers: ClinVar variation 4820826 (VCV004820826.4).
Genomic context (GRCh38, chr2:99,554,456, plus strand): 5'-CGCCATCTGGTGGATGCGCTGTGGGATGCTGACGATGGTCGACGGGGACAGGGCGCTGGC[G>A]TTGGAGAGGCTGCCCTGAGACCCCACGGAGCTGGCGGGAGAGGGGTTGGGAGACATGGGG-3'
Protein context (NP_001373064.1, residues 1128-1148): SSVGSQGSLS[Asn1138=]ASALSPSTIV

ClinVar aggregate classification (germline): Likely benign (1 of 4 stars; one submission).

gnomAD v4.1: 19 of 1,614,108 alleles (0.0012%); highest among the groups gnomAD compares: African/African-American, 0.0013%; no homozygotes.

Submission:

CeGaT Center for Human Genetics Tuebingen
Classification: Likely benign. Last evaluated: 2026-03-01. Review status: criteria provided, single submitter. Criteria: CeGaT Center For Human Genetics Tuebingen Variant Classification Criteria Version 2. Collection method: clinical testing. Allele origin: germline. Affected: yes. Observed: 1 variant allele.
Comment: AFF3: BP4, BP7